The following is an entry in ClinVar:

NM_018699.4(PRDM5):c.667G>T (p.Ala223Ser)

Gene: PRDM5 (PR/SET domain 5; minus strand). Cytogenetic location: 4q27.
Variant type: single nucleotide variant.
Coding change: c.667G>T on transcript NM_018699.4 (MANE Select); coding-DNA position 667, G replaced by T.
Protein change: p.Ala223Ser; replaces alanine 223 with serine.
Molecular consequence: missense variant. On other transcripts: intron variant (3).
Genome position (GRCh38, 1-based): chr4:120,816,908, C>A on the plus strand (G>T on the coding strand, the complement: PRDM5 is on the minus strand). VCF-style: chr4-120816908-C-A. GRCh37 (hg19) VCF-style: chr4-121738063-C-A.
Other names: c.667G>T, p.Ala223Ser (NM_001379104.1); c.651-334G>T (NM_001300824.2, NM_001379106.1, NM_001300823.2); short protein forms A223S.
Identifiers: ClinVar variation 4687834 (VCV004687834.1).

ClinVar aggregate classification (germline): Uncertain significance (1 of 4 stars; one submission).

gnomAD v4.1: 2 of 1,612,846 alleles (0.00012%); highest among the groups gnomAD compares: Non-Finnish European, 0.00017%; no homozygotes.

Submission:

Women's Health and Genetics/Laboratory Corporation of America, LabCorp
Classification: Uncertain significance. Last evaluated: 2025-10-22. Review status: criteria provided, single submitter. Criteria: LabCorp Variant Classification Summary - May 2015. Collection method: clinical testing. Allele origin: germline.
Comment: Variant summary: PRDM5 c.667G>T (p.Ala223Ser) results in a conservative amino acid change in the encoded protein sequence. Algorithms developed to predict the effect of missense changes on protein structure and function all suggest that this variant is likely to be tolerated. The variant was absent in 251396 control chromosomes. The available data on variant occurrences in the general population are insufficient to allow any conclusion about variant significance. To our knowledge, no occurrence of c.667G>T in individuals affected with PRDM5-related conditions and no experimental evidence demonstrating its impact on protein function have been reported. No submitters have cited clinical-significance assessments for this variant to ClinVar. Based on the evidence outlined above, the variant was classified as uncertain significance.